The following is an entry in ClinVar:

NM_001136035.4(TRMT1):c.641+1G>T

Gene: TRMT1 (tRNA methyltransferase 1; minus strand). Cytogenetic location: 19p13.13.
Variant type: single nucleotide variant.
Coding change: c.641+1G>T on transcript NM_001136035.4 (MANE Select); the canonical splice donor site of the intron after coding-DNA position 641, G replaced by T.
Molecular consequence: splice donor variant.
Genome position (GRCh38, 1-based): chr19:13,115,278, C>A on the plus strand (G>T on the coding strand, the complement: TRMT1 is on the minus strand). VCF-style: chr19-13115278-C-A. GRCh37 (hg19) VCF-style: chr19-13226092-C-A.
Other names: c.533+1G>T (NM_001351761.2); c.641+1G>T (NM_001351760.2, NM_001142554.3, NM_017722.5); c.-130+1G>T (NM_001351762.2).
Identifiers: ClinVar variation 4530799 (VCV004530799.1).

ClinVar aggregate classification (germline): Likely pathogenic (1 of 4 stars; one submission).

Submission:

GeneDx
Classification: Likely pathogenic. Last evaluated: 2025-05-21. Review status: criteria provided, single submitter. Criteria: GeneDx Variant Classification Process June 2021. Collection method: clinical testing. Allele origin: germline. Affected: yes.
Comment: Canonical splice site variant predicted to result in a null allele in a gene for which loss of function is a known mechanism of disease; Not observed at significant frequency in large population cohorts (gnomAD); Has not been previously published as pathogenic or benign to our knowledge